The following is an entry in ClinVar:

NM_206933.4(USH2A):c.11081A>T (p.Asn3694Ile)

Gene: USH2A (usherin; minus strand). Cytogenetic location: 1q41.
Variant type: single nucleotide variant.
Coding change: c.11081A>T on transcript NM_206933.4 (MANE Select); coding-DNA position 11081, A replaced by T.
Protein change: p.Asn3694Ile; replaces asparagine 3694 with isoleucine.
Molecular consequence: missense variant.
Genome position (GRCh38, 1-based): chr1:215,759,810, T>A on the plus strand (A>T on the coding strand, the complement: USH2A is on the minus strand). VCF-style: chr1-215759810-T-A. GRCh37 (hg19) VCF-style: chr1-215933152-T-A.
Other names: c.11081A>T (NM_206933.2); short protein forms N3694I.
Identifiers: ClinVar variation 2144211 (VCV002144211.4), dbSNP rs753138126, ClinGen allele CA1393816.

ClinVar aggregate classification (germline): Uncertain significance. Review status: criteria provided, multiple submitters, no conflicts (2 of 4 stars). 2 submissions from 2 submitters: Uncertain significance (2). Last evaluated 2025-09-22.

Conditions:
Inborn genetic diseases. Identifiers: MedGen C0950123, MeSH D030342.

Allele frequency attached by ClinVar (database versions not stated): ExAC 0.00001; gnomAD 0.00001.
gnomAD v4.1: 2 of 1,613,894 alleles (0.00012%); highest among the groups gnomAD compares: African/African-American, 0.0027%; no homozygotes.

Submissions (2):

Ambry Genetics
Classification: Uncertain significance for Inborn genetic diseases. Last evaluated: 2025-09-22. Review status: criteria provided, single submitter. Criteria: Ambry Variant Classification Scheme 2023. Collection method: clinical testing. Allele origin: germline.

Labcorp Genetics (formerly Invitae), Labcorp
Classification: Uncertain significance. Last evaluated: 2024-10-15. Review status: criteria provided, single submitter. Criteria: Invitae Variant Classification Sherloc (09022015). Collection method: clinical testing. Allele origin: germline.
Comment: This sequence change replaces asparagine, which is neutral and polar, with isoleucine, which is neutral and non-polar, at codon 3694 of the USH2A protein (p.Asn3694Ile). This variant is present in population databases (rs753138126, gnomAD 0.007%). This variant has not been reported in the literature in individuals affected with USH2A-related conditions. ClinVar contains an entry for this variant (Variation ID: 2144211). Invitae Evidence Modeling of protein sequence and biophysical properties (such as structural, functional, and spatial information, amino acid conservation, physicochemical variation, residue mobility, and thermodynamic stability) has been performed for this missense variant. However, the output from this modeling did not meet the statistical confidence thresholds required to predict the impact of this variant on USH2A protein function. In summary, the available evidence is currently insufficient to determine the role of this variant in disease. Therefore, it has been classified as a Variant of Uncertain Significance.